The following is an entry in ClinVar:

NM_000256.3(MYBPC3):c.3497C>G (p.Thr1166Ser)

Gene: MYBPC3 (myosin binding protein C3; minus strand). Cytogenetic location: 11p11.2.
Variant type: single nucleotide variant.
Coding change: c.3497C>G on transcript NM_000256.3 (MANE Select); coding-DNA position 3497, C replaced by G.
Protein change: p.Thr1166Ser; replaces threonine 1166 with serine.
Molecular consequence: missense variant.
Genome position (GRCh38, 1-based): chr11:47,332,696, G>C on the plus strand (C>G on the coding strand, the complement: MYBPC3 is on the minus strand). VCF-style: chr11-47332696-G-C. GRCh37 (hg19) VCF-style: chr11-47354247-G-C.
Other names: c.3497C>G, p.Thr1166Ser (LRG_386t1); short protein forms T1166S.
Identifiers: ClinVar variation 519188 (VCV000519188.7), dbSNP rs1555120318, ClinGen allele CA380312906.

ClinVar aggregate classification (germline): Uncertain significance. Review status: criteria provided, multiple submitters, no conflicts (2 of 4 stars). 2 submissions from 2 submitters: Uncertain significance (2). Last evaluated 2025-12-08.

Conditions:
Hypertrophic cardiomyopathy. Also called: HYPERTROPHIC MYOCARDIOPATHY. Identifiers: Orphanet 217569, MedGen C0007194, MeSH D002312, MONDO:0005045, HP:0001639.
Cardiovascular phenotype. Identifiers: MedGen CN230736.

Allele frequency attached by ClinVar (database versions not stated): gnomAD exomes below 0.00001.
gnomAD v4.1: 1 of 1,608,786 alleles (0.000062%); highest among the groups gnomAD compares: Non-Finnish European, 0.000085%; no homozygotes.

Submissions (2):

Labcorp Genetics (formerly Invitae), Labcorp
Classification: Uncertain significance for Hypertrophic cardiomyopathy. Last evaluated: 2025-12-08. Review status: criteria provided, single submitter. Criteria: Invitae Variant Classification Sherloc (09022015). Collection method: clinical testing. Allele origin: germline.
Comment: This sequence change replaces threonine, which is neutral and polar, with serine, which is neutral and polar, at codon 1166 of the MYBPC3 protein (p.Thr1166Ser). This variant is not present in population databases (gnomAD no frequency). This variant has not been reported in the literature in individuals affected with MYBPC3-related conditions. ClinVar contains an entry for this variant (Variation ID: 519188). An algorithm developed to predict the effect of missense changes on protein structure and function (PolyPhen-2) suggests that this variant is likely to be tolerated. In summary, the available evidence is currently insufficient to determine the role of this variant in disease. Therefore, it has been classified as a Variant of Uncertain Significance.

Ambry Genetics
Classification: Uncertain significance for Cardiovascular phenotype. Last evaluated: 2017-11-15. Review status: criteria provided, single submitter. Criteria: Ambry Variant Classification Scheme 2023. Collection method: clinical testing. Allele origin: germline.
Comment: The p.T1166S variant (also known as c.3497C>G), located in coding exon 32 of the MYBPC3 gene, results from a C to G substitution at nucleotide position 3497. The threonine at codon 1166 is replaced by serine, an amino acid with similar properties. This amino acid position is not well conserved in available vertebrate species. In addition, this alteration is predicted to be tolerated by in silico analysis. Since supporting evidence is limited at this time, the clinical significance of this alteration remains unclear.